The following is an entry in ClinVar:

NM_021083.4(XK):c.121T>G (p.Leu41Val)

Gene: XK (X-linked Kx blood group antigen, Kell and VPS13A binding protein; plus strand). Cytogenetic location: Xp21.1.
Variant type: single nucleotide variant.
Coding change: c.121T>G on transcript NM_021083.4 (MANE Select); coding-DNA position 121, T replaced by G.
Protein change: p.Leu41Val; replaces leucine 41 with valine.
Molecular consequence: missense variant.
Genome position (GRCh38, 1-based): chrX:37,686,082, T>G. VCF-style: chrX-37686082-T-G. GRCh37 (hg19) VCF-style: chrX-37545335-T-G.
Other names: short protein forms L41V.
Identifiers: ClinVar variation 4708929 (VCV004708929.1).

ClinVar aggregate classification (germline): Uncertain significance (1 of 4 stars; one submission).

gnomAD v4.1: 2 of 1,211,927 alleles (0.00017%); highest among the groups gnomAD compares: Non-Finnish European, 0.00022%; no homozygotes.

Submission:

Labcorp Genetics (formerly Invitae), Labcorp
Classification: Uncertain significance. Last evaluated: 2025-12-03. Review status: criteria provided, single submitter. Criteria: Invitae Variant Classification Sherloc (09022015). Collection method: clinical testing. Allele origin: germline.
Comment: This sequence change replaces leucine, which is neutral and non-polar, with valine, which is neutral and non-polar, at codon 41 of the XK protein (p.Leu41Val). This variant is not present in population databases (gnomAD no frequency). This variant has not been reported in the literature in individuals affected with XK-related conditions. Invitae Evidence Modeling of protein sequence and biophysical properties (such as structural, functional, and spatial information, amino acid conservation, physicochemical variation, residue mobility, and thermodynamic stability) indicates that this missense variant is not expected to disrupt XK protein function with a negative predictive value of 80%. In summary, the available evidence is currently insufficient to determine the role of this variant in disease. Therefore, it has been classified as a Variant of Uncertain Significance.